The following is an entry in ClinVar:

NM_014801.4(PCNX2):c.1834+5G>A

Genes: PCNX2 (pecanex 2; minus strand), LOC126806051 (BRD4-independent group 4 enhancer GRCh37_chr1:233393606-233394805; plus strand). Cytogenetic location: 1q42.2.
Variant type: single nucleotide variant.
Coding change: c.1834+5G>A on transcript NM_014801.4 (MANE Select); 5 bases into the intron after coding-DNA position 1834, G replaced by A.
Molecular consequence: intron variant.
Genome position (GRCh38, 1-based): chr1:233,258,023, C>T on the plus strand (G>A on the coding strand, the complement: PCNX2 is on the minus strand). VCF-style: chr1-233258023-C-T. GRCh37 (hg19) VCF-style: chr1-233393769-C-T.
Identifiers: ClinVar variation 2640088 (VCV002640088.24), dbSNP rs749820549, ClinGen allele CA1458133.

ClinVar aggregate classification (germline): Likely benign (1 of 4 stars; one submission).

Allele frequency attached by ClinVar (database versions not stated): ExAC 0.00004; gnomAD 0.00004; TOPMed 0.00006; 1000 Genomes Project 30x 0.00016.
gnomAD v4.1: 23 of 1,607,870 alleles (0.0014%); highest among the groups gnomAD compares: African/African-American, 0.017%; no homozygotes.

Submission:

CeGaT Center for Human Genetics Tuebingen
Classification: Likely benign. Last evaluated: 2022-05-01. Review status: criteria provided, single submitter. Criteria: CeGaT Center For Human Genetics Tuebingen Variant Classification Criteria Version 2. Collection method: clinical testing. Allele origin: germline. Affected: yes. Observed: 1 variant allele.
Comment: PCNX2: BP4